The following is an entry in ClinVar:

ClinVar aggregate classification (germline): Pathogenic (1 of 4 stars; one submission).

Submission:

GeneDx
Classification: Pathogenic. Last evaluated: 2022-07-14. Review status: criteria provided, single submitter. Criteria: GeneDx Variant Classification Process June 2021. Collection method: clinical testing. Allele origin: germline. Affected: yes.
Comment: Nonsense variant predicted to result in protein truncation or nonsense mediated decay in a gene for which loss of function is a known mechanism of disease; Not observed at significant frequency in large population cohorts (gnomAD); Has not been previously published as pathogenic or benign to our knowledge

NM_033380.3(COL4A5):c.1267G>T (p.Gly423Ter)

Gene: COL4A5 (collagen type IV alpha 5 chain; plus strand). Cytogenetic location: Xq22.3.
Variant type: single nucleotide variant.
Coding change: c.1267G>T on transcript NM_033380.3 (MANE Select); coding-DNA position 1267, G replaced by T.
Protein change: p.Gly423Ter; replaces glycine 423 with a stop codon.
Molecular consequence: nonsense.
Genome position (GRCh38, 1-based): chrX:108,591,159, G>T. VCF-style: chrX-108591159-G-T. GRCh37 (hg19) VCF-style: chrX-107834389-G-T.
Other names: c.1267G>T, p.Gly423Ter (NM_000495.5); short protein forms G423*.
Identifiers: ClinVar variation 1878686 (VCV001878686.1), dbSNP rs2524282719, ClinGen allele CA413932787.
Genomic context (GRCh38, chrX:108,591,159, plus strand): 5'-GGAGAAAGGGGTCAGAAAGGTGATGAAGGACCACCTGGAATTTCCATTCCTGGACCTCCT[G>T]GACTTGACGGACAGCCTGGGGCTCCTGGGCTTCCAGGGCCTCCTGGCCCTGCTGGCCCTC-3'